The following is an entry in ClinVar:

NM_007078.3(LDB3):c.2095-18G>T

Gene: LDB3 (LIM domain binding 3; plus strand). Cytogenetic location: 10q23.2.
Variant type: single nucleotide variant.
Coding change: c.2095-18G>T on transcript NM_007078.3 (MANE Select); 18 bases into the intron before coding-DNA position 2095, G replaced by T.
Molecular consequence: intron variant.
Genome position (GRCh38, 1-based): chr10:86,732,869, G>T. VCF-style: chr10-86732869-G-T. GRCh37 (hg19) VCF-style: chr10-88492626-G-T.
Other names: c.1906-18G>T (NM_001368064.1, NM_001368065.1); c.2110-18G>T (NM_001171610.2); c.1954-18G>T (NM_001368066.1); c.1765-18G>T (NM_001080114.2).
Identifiers: ClinVar variation 3662567 (VCV003662567.2).

ClinVar aggregate classification (germline): Uncertain significance (1 of 4 stars; one submission).

Conditions:
Myofibrillar myopathy 4. Also called: Zaspopathy (type). Identifiers: Orphanet 98912, MedGen C4721886, MONDO:0012277, OMIM 609452.

Submission:

Labcorp Genetics (formerly Invitae), Labcorp
Classification: Uncertain significance for Myofibrillar myopathy 4. Last evaluated: 2025-10-07. Review status: criteria provided, single submitter. Criteria: Invitae Variant Classification Sherloc (09022015). Collection method: clinical testing. Allele origin: germline.
Comment: The LDB3 gene has multiple clinically relevant transcripts. This variant occurs in alternate transcript NM_007078.3, and corresponds to NM_001080116.1:c.*33495G>T in the primary transcript. This sequence change falls in intron 13 of the LDB3 gene. It does not directly change the encoded amino acid sequence of the LDB3 protein. This variant is not present in population databases (gnomAD no frequency). This variant has not been reported in the literature in individuals affected with LDB3-related conditions. Experimental studies and prediction algorithms are not available or were not evaluated, and the effect of this variant on mRNA splicing is currently unknown. In summary, the available evidence is currently insufficient to determine the role of this variant in disease. Therefore, it has been classified as a Variant of Uncertain Significance.